The following is an entry in ClinVar:

ClinVar aggregate classification (germline): Uncertain significance (1 of 4 stars; one submission).

Conditions:
Inborn genetic diseases. Identifiers: MedGen C0950123, MeSH D030342.

Submission:

Ambry Genetics
Classification: Uncertain significance for Inborn genetic diseases. Last evaluated: 2024-05-10. Review status: criteria provided, single submitter. Criteria: Ambry Variant Classification Scheme 2023. Collection method: clinical testing. Allele origin: germline.
Comment: The p.A23V variant (also known as c.68C>T), located in coding exon 2 of the EPAS1 gene, results from a C to T substitution at nucleotide position 68. The alanine at codon 23 is replaced by valine, an amino acid with similar properties. This amino acid position is conserved. In addition, the in silico prediction for this alteration is inconclusive. Based on the available evidence, the clinical significance of this variant remains unclear.

NM_001430.5(EPAS1):c.68C>T (p.Ala23Val)

Gene: EPAS1 (endothelial PAS domain protein 1; plus strand). Cytogenetic location: 2p21.
Variant type: single nucleotide variant.
Coding change: c.68C>T on transcript NM_001430.5 (MANE Select); coding-DNA position 68, C replaced by T.
Protein change: p.Ala23Val; replaces alanine 23 with valine.
Molecular consequence: missense variant.
Genome position (GRCh38, 1-based): chr2:46,346,914, C>T. VCF-style: chr2-46346914-C-T. GRCh37 (hg19) VCF-style: chr2-46574053-C-T.
Other names: short protein forms A23V.
Identifiers: ClinVar variation 3275646 (VCV003275646.1).